The following is an entry in ClinVar:

NM_001277115.2(DNAH11):c.1648del (p.Arg550fs)

Gene: DNAH11 (dynein axonemal heavy chain 11; plus strand). Cytogenetic location: 7p15.3.
Variant type: Deletion.
Coding change: c.1648del on transcript NM_001277115.2 (MANE Select); coding-DNA position 1648, one base deleted (A; older notation c.1648delA).
Protein change: p.Arg550fs; shifts the reading frame from arginine 550.
Molecular consequence: frameshift variant.
Genome position (GRCh38, 1-based): chr7:21,581,959, A deleted; the last of 2 consecutive A bases (chr7:21,581,958-21,581,959); deleting either gives the same sequence. VCF-style (leftmost placement, unchanged base first): chr7-21581957-GA-G. GRCh37 (hg19) VCF-style: chr7-21621575-GA-G.
Other names: c.1648delA (NM_001277115.1); c.1648del (NM_001277115.1); short protein forms R550fs.
Identifiers: ClinVar variation 524059 (VCV000524059.3), dbSNP rs1554314722, ClinGen allele CA658796911.

ClinVar aggregate classification (germline): Pathogenic (1 of 4 stars; one submission).

Submission:

GeneDx
Classification: Pathogenic. Last evaluated: 2024-05-23. Review status: criteria provided, single submitter. Criteria: GeneDx Variant Classification Process June 2021. Collection method: clinical testing. Allele origin: germline. Affected: yes.
Comment: Frameshift variant predicted to result in protein truncation or nonsense mediated decay in a gene for which loss of function is a known mechanism of disease; Not observed at significant frequency in large population cohorts (gnomAD); This variant is associated with the following publications: (PMID: 32633470)